The following is an entry in ClinVar:

ClinVar aggregate classification (germline): Uncertain significance (1 of 4 stars; one submission).

Submission:

Labcorp Genetics (formerly Invitae), Labcorp
Classification: Uncertain significance. Last evaluated: 2022-10-05. Review status: criteria provided, single submitter. Criteria: Invitae Variant Classification Sherloc (09022015). Collection method: clinical testing. Allele origin: germline.
Comment: This variant is not present in population databases (gnomAD no frequency). This sequence change falls in intron 8 of the ZNF335 gene. It does not directly change the encoded amino acid sequence of the ZNF335 protein. This variant has not been reported in the literature in individuals affected with ZNF335-related conditions. ClinVar contains an entry for this variant (Variation ID: 1391275). Algorithms developed to predict the effect of sequence changes on RNA splicing suggest that this variant may create or strengthen a splice site. In summary, the available evidence is currently insufficient to determine the role of this variant in disease. Therefore, it has been classified as a Variant of Uncertain Significance.

NM_022095.4(ZNF335):c.1356-14C>G

Gene: ZNF335 (zinc finger protein 335; minus strand). Cytogenetic location: 20q13.12.
Variant type: single nucleotide variant.
Coding change: c.1356-14C>G on transcript NM_022095.4 (MANE Select); 14 bases into the intron before coding-DNA position 1356, C replaced by G.
Molecular consequence: intron variant.
Genome position (GRCh38, 1-based): chr20:45,963,664, G>C on the plus strand (C>G on the coding strand, the complement: ZNF335 is on the minus strand). VCF-style: chr20-45963664-G-C. GRCh37 (hg19) VCF-style: chr20-44592303-G-C.
Identifiers: ClinVar variation 1391275 (VCV001391275.6), dbSNP rs2145401394, ClinGen allele CA2573157107.